The following is an entry in ClinVar:

ClinVar aggregate classification (germline): Pathogenic (1 of 4 stars; one submission).

Conditions:
Hereditary cancer-predisposing syndrome. Also called: Hereditary Cancer Syndrome; Neoplastic Syndromes, Hereditary; Hereditary neoplastic syndrome; Tumor predisposition. Identifiers: Orphanet 140162, MedGen C0027672, MeSH D009386, MONDO:0015356.

Submission:

Ambry Genetics
Classification: Pathogenic for Hereditary cancer-predisposing syndrome. Last evaluated: 2015-07-30. Review status: criteria provided, single submitter. Criteria: Ambry Variant Classification Scheme 2023. Collection method: clinical testing. Allele origin: germline.
Comment: The c.1529_1530delCA pathogenic mutation, located in coding exon 9 of the MEN1 gene, results from a deletion of two nucleotides between positions 1529 and 1530, causing a translational frameshift with a predicted alternate stop codon. This mutation has been reported in one German family whose history included primary hyperparathyroidism, prolactinoma, insulinoma, and carcinoid of the thymus. The authors referred to this alteration as 510fs19aaX (Bartsch D et al. Eur. J. Endocrinol. 1998 Oct;139(4):416-20). In addition to the clinical data presented in the literature, since frameshifts are typically deleterious in nature, this alteration is interpreted as a disease-causing mutation (ACMG Recommendations for Standards for Interpretation and Reporting of Sequence Variations. Revision 2007. Genet Med. 2008;10:294).

Literature cited by the submitters: PubMed 9820618.

NM_001370259.2(MEN1):c.1529_1530del (p.Ala510fs)

Gene: MEN1 (menin 1; minus strand). Cytogenetic location: 11q13.1.
Variant type: Deletion.
Coding change: c.1529_1530del on transcript NM_001370259.2 (MANE Select); coding-DNA positions 1529 to 1530, 2 bases deleted (CA; older notation c.1529_1530delCA).
Protein change: p.Ala510fs; shifts the reading frame from alanine 510.
Molecular consequence: frameshift variant.
Genome position (GRCh38, 1-based): chr11:64,804,637-64,804,638, TG deleted on the plus strand (CA on the coding strand, the reverse complement: MEN1 is on the minus strand). VCF-style (leftmost placement, unchanged base first): chr11-64804636-CTG-C. GRCh37 (hg19) VCF-style: chr11-64572108-CTG-C.
Other names: c.1529_1530delCA (NM_130799.2); c.1544_1545del, p.Ala515fs (NM_000244.4, NM_130800.3, NM_130801.3 and 3 more transcripts); c.1655_1656del, p.Ala552fs (NM_001370251.2); c.1529_1530del, p.Ala510fs (NM_001370260.2, NM_001370261.2, NM_130799.3); c.1424_1425del, p.Ala475fs (NM_001370262.2, NM_001370263.2); short protein forms A552fs, A510fs, A475fs, A515fs.
Identifiers: ClinVar variation 428064 (VCV000428064.6), dbSNP rs1114167522, ClinGen allele CA645369554.